The following is an entry in ClinVar:

NM_015202.5(KATNIP):c.319C>T (p.Arg107Ter)

Gene: KATNIP (katanin interacting protein; plus strand). Cytogenetic location: 16p12.1.
Variant type: single nucleotide variant.
Coding change: c.319C>T on transcript NM_015202.5 (MANE Select); coding-DNA position 319, C replaced by T.
Protein change: p.Arg107Ter; replaces arginine 107 with a stop codon.
Molecular consequence: nonsense.
Genome position (GRCh38, 1-based): chr16:27,631,073, C>T. VCF-style: chr16-27631073-C-T. GRCh37 (hg19) VCF-style: chr16-27642394-C-T.
Other names: short protein forms R107*.
Identifiers: ClinVar variation 4847907 (VCV004847907.1).

ClinVar aggregate classification (germline): Pathogenic (1 of 4 stars; one submission).

Conditions:
Joubert syndrome 26 (JBTS26). Identifiers: Orphanet 475, MedGen C4084843, MONDO:0014771, OMIM 616784.

gnomAD v4.1: 23 of 1,567,718 alleles (0.0015%); highest among the groups gnomAD compares: East Asian, 0.0023%; no homozygotes.

Submission:

Women's Health and Genetics/Laboratory Corporation of America, LabCorp
Classification: Pathogenic for Joubert syndrome 26. Last evaluated: 2026-02-11. Review status: criteria provided, single submitter. Criteria: LabCorp Variant Classification Summary - May 2015. Collection method: clinical testing. Allele origin: germline.
Comment: Variant summary: KATNIP c.319C>T (p.Arg107X) results in a premature termination codon, predicted to cause a truncation of the encoded protein or absence of the protein due to nonsense mediated decay, which are commonly known mechanisms for disease. The variant allele was found at a frequency of 2.4e-05 in 212580 control chromosomes (gnomAD). To our knowledge, no occurrence of c.319C>T in individuals affected with KATNIP-related conditions and no experimental evidence demonstrating its impact on protein function have been reported. No submitters have cited clinical-significance assessments for this variant to ClinVar. Based on the evidence outlined above, the variant was classified as pathogenic.